The following is an entry in ClinVar:

ClinVar aggregate classification (germline): Pathogenic/Likely pathogenic. Review status: criteria provided, multiple submitters, no conflicts (2 of 4 stars). 2 submissions from 2 submitters: Pathogenic (1); Likely pathogenic (1). Last evaluated 2023-01-16.

Conditions:
Fanconi anemia (FA). Also called: Fanconi's anemia. Identifiers: Orphanet 84, MedGen C0015625, MeSH D005199, MONDO:0019391.
Fanconi anemia complementation group A (FANCA). Also called: Fanconi anemia, group A; FANCA-Related Fanconi Anemia. Identifiers: Orphanet 84, MedGen C3469521, MONDO:0009215, OMIM 227650.

Submissions (2):

Baylor Genetics
Classification: Likely pathogenic for Fanconi anemia complementation group A. Last evaluated: 2023-01-16. Review status: criteria provided, single submitter. Criteria: ACMG Guidelines, 2015. Collection method: clinical testing. Allele origin: unknown.

Labcorp Genetics (formerly Invitae), Labcorp
Classification: Pathogenic for Fanconi anemia. Last evaluated: 2019-08-21. Review status: criteria provided, single submitter. Criteria: Invitae Variant Classification Sherloc (09022015). Collection method: clinical testing. Allele origin: germline.
Comment: This variant is not present in population databases (ExAC no frequency). This sequence change creates a premature translational stop signal (p.Leu61Phefs*3) in the FANCA gene. It is expected to result in an absent or disrupted protein product. For these reasons, this variant has been classified as Pathogenic. This variant has not been reported in the literature in individuals with FANCA-related conditions. Loss-of-function variants in FANCA are known to be pathogenic (PMID: 19367192).

Literature cited by the submitters: PubMed 19367192 (cited by Labcorp Genetics (formerly Invitae), Labcorp).

NM_000135.4(FANCA):c.182_183insC (p.Leu61fs)

Gene: FANCA (FA complementation group A; minus strand). Cytogenetic location: 16q24.3.
Variant type: Insertion.
Coding change: c.182_183insC on transcript NM_000135.4 (MANE Select); coding-DNA positions 182 to 183, C inserted.
Protein change: p.Leu61fs; shifts the reading frame from leucine 61.
Molecular consequence: frameshift variant.
Genome position: GRCh38 VCF-style: chr16-89815883-C-CG. GRCh37 (hg19) VCF-style: chr16-89882291-C-CG.
Other names: c.182_183insC, p.Leu61fs (NM_001018112.3, NM_001286167.3, NM_001351830.2); short protein forms L61fs.
Identifiers: ClinVar variation 955700 (VCV000955700.8), dbSNP rs2041095238, ClinGen allele CA1139664995.